The following is an entry in ClinVar:

NM_001289080.2(CNTN6):c.649C>T (p.Arg217Cys)

Gene: CNTN6 (contactin 6; plus strand). Cytogenetic location: 3p26.3.
Variant type: single nucleotide variant.
Coding change: c.649C>T on transcript NM_001289080.2 (MANE Select); coding-DNA position 649, C replaced by T.
Protein change: p.Arg217Cys; replaces arginine 217 with cysteine.
Molecular consequence: missense variant. On other transcripts: 5 prime UTR variant (3), intron variant (2).
Genome position (GRCh38, 1-based): chr3:1,295,795, C>T. VCF-style: chr3-1295795-C-T. GRCh37 (hg19) VCF-style: chr3-1337479-C-T.
Other names: c.649C>T, p.Arg217Cys (NM_001349354.2, NM_001349355.2, NM_001349356.2 and 6 more transcripts); c.-289C>T (NM_001349359.2); c.-469C>T (NM_001349361.2); c.-371C>T (NM_001349362.2); c.-362+17287C>T (NM_001349360.2); c.454+17287C>T (NM_001349357.2); c.433C>T, p.Arg145Cys (NM_001289081.2); c.649C>T (NM_014461.3); short protein forms R145C, R217C.
Identifiers: ClinVar variation 2653438 (VCV002653438.25), dbSNP rs137989555, ClinGen allele CA2225840.
Genomic context (GRCh38, chr3:1,295,795, plus strand): 5'-TTTATAACTAACAAAGAGGCCCAGAGAAGTGTTCAAGGTCCACCCACTCCATTAGTGCAG[C>T]GCACTGATGGTAAGATAATGAGTTATCTTGGGAATGTACTTTATCTTTGGCCCTTAAAGC-3'
Protein context (NP_001276009.1, residues 207-227): VQGPPTPLVQ[Arg217Cys]TDGVMGEYEP

ClinVar aggregate classification (germline): Likely benign. Review status: criteria provided, single submitter (1 of 4 stars). 2 submissions from 2 submitters: Likely benign (1). 1 of the submissions does not count toward it. Last evaluated 2023-02-01.

Conditions:
CNTN6-related disorder. Also called: CNTN6-related condition.

Allele frequency attached by ClinVar (database versions not stated): ESP Exome Variant Server 0.00008; ExAC 0.00011; 1000 Genomes Project 0.00060; 1000 Genomes Project 30x 0.00062.
gnomAD v4.1: 96 of 1,610,756 alleles (0.006%); highest among the groups gnomAD compares: East Asian, 0.056%; no homozygotes.

Submissions (2):

CeGaT Center for Human Genetics Tuebingen
Classification: Likely benign. Last evaluated: 2023-02-01. Review status: criteria provided, single submitter. Criteria: CeGaT Center For Human Genetics Tuebingen Variant Classification Criteria Version 2. Collection method: clinical testing. Allele origin: germline. Affected: yes. Observed: 1 variant allele.
Comment: CNTN6: BS2

PreventionGenetics, part of Exact Sciences
Classification: Likely benign for CNTN6-related condition. Last evaluated: 2023-12-27. Review status: no assertion criteria provided. Collection method: clinical testing. Allele origin: germline. Not counted in ClinVar's aggregate classification.
Comment: This variant is classified as likely benign based on ACMG/AMP sequence variant interpretation guidelines (Richards et al. 2015 PMID: 25741868, with internal and published modifications).